The following is an entry in ClinVar:

NM_001197104.2(KMT2A):c.10102A>C (p.Thr3368Pro)

Gene: KMT2A (lysine methyltransferase 2A; plus strand). Cytogenetic location: 11q23.3.
Variant type: single nucleotide variant.
Coding change: c.10102A>C on transcript NM_001197104.2 (MANE Select); coding-DNA position 10102, A replaced by C.
Protein change: p.Thr3368Pro; replaces threonine 3368 with proline.
Molecular consequence: missense variant.
Genome position (GRCh38, 1-based): chr11:118,505,994, A>C. VCF-style: chr11-118505994-A-C. GRCh37 (hg19) VCF-style: chr11-118376709-A-C.
Other names: c.10192A>C, p.Thr3398Pro (NM_001412597.1); c.10093A>C, p.Thr3365Pro (NM_005933.4); short protein forms T3365P, T3368P, T3398P.
Identifiers: ClinVar variation 4887119 (VCV004887119.1).
Genomic context (GRCh38, chr11:118,505,994, plus strand): 5'-TCCATGCAAACTACCACAACCCCTACAAGTAGTGCGTCAGTTCCAGGACACGTCACCTTA[A>C]CCAACCCAAGGTTGCTTGGTACCCCAGATATTGGCTCAATAAGCAATCTTTTAATCAAAG-3'
Protein context (NP_001184033.1, residues 3358-3378): SASVPGHVTL[Thr3368Pro]NPRLLGTPDI

ClinVar aggregate classification (germline): Uncertain significance (1 of 4 stars; one submission).

Submission:

Women's Health and Genetics/Laboratory Corporation of America, LabCorp
Classification: Uncertain significance. Last evaluated: 2026-06-18. Review status: criteria provided, single submitter. Criteria: LabCorp Variant Classification Summary - May 2015. Collection method: clinical testing. Allele origin: germline.
Comment: Variant summary: KMT2A c.10102A>C (p.Thr3368Pro) results in a non-conservative amino acid change in the encoded protein sequence. Algorithms developed to predict the effect of missense changes on protein structure and function are either unavailable or do not agree on the potential impact of this missense change. The variant was absent in 251474 control chromosomes. The available data on variant occurrences in the general population are insufficient to allow any conclusion about variant significance. To our knowledge, no occurrence of c.10102A>C in individuals affected with KMT2A-related conditions and no experimental evidence demonstrating its impact on protein function have been reported. No submitters have cited clinical-significance assessments for this variant to ClinVar. Based on the evidence outlined above, the variant was classified as uncertain significance.